The following is an entry in ClinVar:

NM_000038.6(APC):c.4841T>C (p.Val1614Ala)

Gene: APC (APC regulator of Wnt signaling pathway; plus strand). Cytogenetic location: 5q22.2.
Variant type: single nucleotide variant.
Coding change: c.4841T>C on transcript NM_000038.6 (MANE Select); coding-DNA position 4841, T replaced by C.
Protein change: p.Val1614Ala; replaces valine 1614 with alanine.
Molecular consequence: missense variant.
Genome position (GRCh38, 1-based): chr5:112,840,435, T>C. VCF-style: chr5-112840435-T-C. GRCh37 (hg19) VCF-style: chr5-112176132-T-C.
Other names: c.4841T>C, p.Val1614Ala (NM_001127510.3, NM_001354895.2); c.4787T>C, p.Val1596Ala (NM_001127511.3); c.4895T>C, p.Val1632Ala (NM_001354896.2); c.4871T>C, p.Val1624Ala (NM_001354897.2); c.4766T>C, p.Val1589Ala (NM_001354898.2); c.4757T>C, p.Val1586Ala (NM_001354899.2); c.4718T>C, p.Val1573Ala (NM_001354900.2); c.4664T>C, p.Val1555Ala (NM_001354901.2); and 5 more; short protein forms V1331A, V1513A, V1523A, V1573A, V1632A, V1555A, V1624A, V1488A.
Identifiers: ClinVar variation 825222 (VCV000825222.12), dbSNP rs1580653263, ClinGen allele CA16031938.

ClinVar aggregate classification (germline): Uncertain significance. Review status: criteria provided, multiple submitters, no conflicts (2 of 4 stars). 2 submissions from 2 submitters: Uncertain significance (2). Last evaluated 2023-12-27.

Conditions:
Hereditary cancer-predisposing syndrome. Also called: Neoplastic Syndromes, Hereditary; Tumor predisposition; Hereditary neoplastic syndrome; Hereditary Cancer Syndrome. Identifiers: Orphanet 140162, MedGen C0027672, MeSH D009386, MONDO:0015356.
Familial adenomatous polyposis 1 (FAP1). Also called: POLYPOSIS, ADENOMATOUS INTESTINAL; FAMILIAL ADENOMATOUS POLYPOSIS 1, ATTENUATED. Identifiers: MedGen C2713442, MONDO:0021056, OMIM 175100. Disease mechanism: loss of function.

Submissions (2):

Labcorp Genetics (formerly Invitae), Labcorp
Classification: Uncertain significance for Familial adenomatous polyposis 1. Last evaluated: 2023-12-27. Review status: criteria provided, single submitter. Criteria: Invitae Variant Classification Sherloc (09022015). Collection method: clinical testing. Allele origin: germline.
Comment: This sequence change replaces valine, which is neutral and non-polar, with alanine, which is neutral and non-polar, at codon 1614 of the APC protein (p.Val1614Ala). This variant is not present in population databases (gnomAD no frequency). This variant has not been reported in the literature in individuals affected with APC-related conditions. ClinVar contains an entry for this variant (Variation ID: 825222). Advanced modeling of protein sequence and biophysical properties (such as structural, functional, and spatial information, amino acid conservation, physicochemical variation, residue mobility, and thermodynamic stability) performed at Invitae indicates that this missense variant is not expected to disrupt APC protein function with a negative predictive value of 95%. In summary, the available evidence is currently insufficient to determine the role of this variant in disease. Therefore, it has been classified as a Variant of Uncertain Significance.

Ambry Genetics
Classification: Uncertain significance for Hereditary cancer-predisposing syndrome. Last evaluated: 2018-07-30. Review status: criteria provided, single submitter. Criteria: Ambry Variant Classification Scheme 2023. Collection method: clinical testing. Allele origin: germline.
Comment: The p.V1614A variant (also known as c.4841T>C), located in coding exon 15 of the APC gene, results from a T to C substitution at nucleotide position 4841. The valine at codon 1614 is replaced by alanine, an amino acid with similar properties. This amino acid position is highly conserved in available vertebrate species. In addition, in silico predictors for this gene do not accurately predict pathogenicity. Since supporting evidence is limited at this time, the clinical significance of this alteration remains unclear.